The following is an entry in ClinVar:

ClinVar aggregate classification (germline): Uncertain significance. Review status: criteria provided, multiple submitters, no conflicts (2 of 4 stars). 2 submissions from 2 submitters: Uncertain significance (2). Last evaluated 2025-08-25.

Allele frequency attached by ClinVar (database versions not stated): gnomAD 0.00002; gnomAD exomes 0.00002; ExAC 0.00005; ESP Exome Variant Server 0.00015.
gnomAD v4.1: 39 of 1,614,040 alleles (0.0024%); highest among the groups gnomAD compares: East Asian, 0.027%; 1 homozygote.

Submissions (2):

Ambry Genetics
Classification: Uncertain significance. Last evaluated: 2025-08-25. Review status: criteria provided, single submitter. Criteria: Ambry Variant Classification Scheme 2023. Collection method: clinical testing. Allele origin: germline.

Labcorp Genetics (formerly Invitae), Labcorp
Classification: Uncertain significance. Last evaluated: 2024-04-16. Review status: criteria provided, single submitter. Criteria: Invitae Variant Classification Sherloc (09022015). Collection method: clinical testing. Allele origin: germline.
Comment: This sequence change replaces arginine, which is basic and polar, with glutamine, which is neutral and polar, at codon 72 of the FAT2 protein (p.Arg72Gln). This variant is present in population databases (rs371264512, gnomAD 0.01%). This variant has not been reported in the literature in individuals affected with FAT2-related conditions. ClinVar contains an entry for this variant (Variation ID: 2599091). An algorithm developed to predict the effect of missense changes on protein structure and function (PolyPhen-2) suggests that this variant is likely to be disruptive. In summary, the available evidence is currently insufficient to determine the role of this variant in disease. Therefore, it has been classified as a Variant of Uncertain Significance.

NM_001447.3(FAT2):c.215G>A (p.Arg72Gln)

Gene: FAT2 (FAT atypical cadherin 2; minus strand). Cytogenetic location: 5q33.1.
Variant type: single nucleotide variant.
Coding change: c.215G>A on transcript NM_001447.3 (MANE Select); coding-DNA position 215, G replaced by A.
Protein change: p.Arg72Gln; replaces arginine 72 with glutamine.
Molecular consequence: missense variant.
Genome position (GRCh38, 1-based): chr5:151,568,717, C>T on the plus strand (G>A on the coding strand, the complement: FAT2 is on the minus strand). VCF-style: chr5-151568717-C-T. GRCh37 (hg19) VCF-style: chr5-150948278-C-T.
Other names: short protein forms R72Q.
Identifiers: ClinVar variation 2599091 (VCV002599091.6), dbSNP rs371264512, ClinGen allele CA3522471.
Genomic context (GRCh38, chr5:151,568,717, plus strand): 5'-AAGTTGCCCACCACATACTCCTCAGTTTTAAATACATTGGCCACATCCCCAGAGATGATC[C>T]GGTACCTCACTGCCCACTGTGGCTCCGCGAGGTAGATGCCCATTTTCTCGAAGCTCTCCA-3'
Protein context (NP_001438.1, residues 62-82): LAEPQWAVRY[Arg72Gln]IISGDVANVF